The following is an entry in ClinVar:

ClinVar aggregate classification (germline): Uncertain significance. Review status: criteria provided, multiple submitters, no conflicts (2 of 4 stars). 2 submissions from 2 submitters: Uncertain significance (2). Last evaluated 2025-04-13.

Conditions:
Familial thoracic aortic aneurysm and aortic dissection (TAAD). Also called: Thoracic aortic aneurysms and dissections. Identifiers: Orphanet 91387, MedGen C4707243, MONDO:0019625.
Adams-Oliver syndrome 5 (AOS5). Identifiers: Orphanet 974, MedGen C4014970, MONDO:0014459, OMIM 616028.

gnomAD v4.1: 1 of 1,612,318 alleles (0.000062%); no homozygotes.

Submissions (2):

Ambry Genetics
Classification: Uncertain significance for Familial thoracic aortic aneurysm and aortic dissection. Last evaluated: 2025-04-13. Review status: criteria provided, single submitter. Criteria: Ambry Variant Classification Scheme 2023. Collection method: clinical testing. Allele origin: germline.
Comment: The p.D2088N variant (also known as c.6262G>A), located in coding exon 34 of the NOTCH1 gene, results from a G to A substitution at nucleotide position 6262. The aspartic acid at codon 2088 is replaced by asparagine, an amino acid with highly similar properties. This amino acid position is conserved. In addition, this alteration is predicted to be tolerated by in silico analysis. Based on the available evidence, the clinical significance of this variant remains unclear.

Labcorp Genetics (formerly Invitae), Labcorp
Classification: Uncertain significance for Adams-Oliver syndrome 5. Last evaluated: 2024-11-12. Review status: criteria provided, single submitter. Criteria: Invitae Variant Classification Sherloc (09022015). Collection method: clinical testing. Allele origin: germline.
Comment: This sequence change replaces aspartic acid, which is acidic and polar, with asparagine, which is neutral and polar, at codon 2088 of the NOTCH1 protein (p.Asp2088Asn). This variant is not present in population databases (gnomAD no frequency). This variant has not been reported in the literature in individuals affected with NOTCH1-related conditions. Invitae Evidence Modeling of protein sequence and biophysical properties (such as structural, functional, and spatial information, amino acid conservation, physicochemical variation, residue mobility, and thermodynamic stability) indicates that this missense variant is not expected to disrupt NOTCH1 protein function with a negative predictive value of 80%. In summary, the available evidence is currently insufficient to determine the role of this variant in disease. Therefore, it has been classified as a Variant of Uncertain Significance.

NM_017617.5(NOTCH1):c.6262G>A (p.Asp2088Asn)

Gene: NOTCH1 (notch receptor 1; minus strand). Cytogenetic location: 9q34.3.
Variant type: single nucleotide variant.
Coding change: c.6262G>A on transcript NM_017617.5 (MANE Select); coding-DNA position 6262, G replaced by A.
Protein change: p.Asp2088Asn; replaces aspartic acid 2088 with asparagine.
Molecular consequence: missense variant.
Genome position (GRCh38, 1-based): chr9:136,497,477, C>T on the plus strand (G>A on the coding strand, the complement: NOTCH1 is on the minus strand). VCF-style: chr9-136497477-C-T. GRCh37 (hg19) VCF-style: chr9-139391929-C-T.
Other names: c.6262G>A (NM_017617.3); short protein forms D2088N.
Identifiers: ClinVar variation 3604628 (VCV003604628.3).